The following is an entry in ClinVar:

ClinVar aggregate classification (germline): Benign/Likely benign. Review status: criteria provided, multiple submitters, no conflicts (2 of 4 stars). 13 submissions from 13 submitters: Benign (8); Likely benign (2). 3 of the submissions do not count toward it. Last evaluated 2026-05-09.

Conditions:
Connective tissue disorder. Also called: Connective tissue disease. Identifiers: MedGen C0009782, MONDO:0003900.
Epiphyseal dysplasia, multiple, 2 (EDM2). Also called: COL9A2-Related Multiple Epiphyseal Dysplasia. Identifiers: MedGen C1838429, MONDO:0010844, OMIM 600204.

Allele frequency attached by ClinVar (database versions not stated): 1000 Genomes Project 30x 0.00874; 1000 Genomes Project 0.00899; TOPMed 0.02017; gnomAD 0.02134 and 0.02212; gnomAD exomes 0.02185 and 0.03323; ExAC 0.02222; ESP Exome Variant Server 0.02599.
gnomAD v4.1: 51,687 of 1,614,028 alleles (3.2%); highest among the groups gnomAD compares: Non-Finnish European, 3.9%; 1,056 homozygotes.

Submissions (13):

Women's Health and Genetics/Laboratory Corporation of America, LabCorp
Classification: Likely benign. Last evaluated: 2026-05-09. Review status: criteria provided, single submitter. Criteria: LabCorp Variant Classification Summary - May 2015. Collection method: clinical testing. Allele origin: germline.

Labcorp Genetics (formerly Invitae), Labcorp
Classification: Benign. Last evaluated: 2026-02-04. Review status: criteria provided, single submitter. Criteria: Invitae Variant Classification Sherloc (09022015). Collection method: clinical testing. Allele origin: germline.

Blueprint Genetics
Classification: Likely benign. Last evaluated: 2024-11-26. Review status: criteria provided, single submitter. Criteria: ACMG Guidelines, 2015. Collection method: clinical testing. Allele origin: germline.

Genome Diagnostics Laboratory, The Hospital for Sick Children
Classification: Benign for Connective tissue disorder. Last evaluated: 2022-02-12. Review status: criteria provided, single submitter. Criteria: ACMG Guidelines, 2015. Collection method: clinical testing. Allele origin: germline.

Mayo Clinic Laboratories, Mayo Clinic
Classification: Benign. Last evaluated: 2021-03-29. Review status: criteria provided, single submitter. Criteria: ACMG Guidelines, 2015. Collection method: clinical testing. Allele origin: germline. Observed: 8 variant alleles.

Athena Diagnostics
Classification: Benign. Last evaluated: 2018-10-12. Review status: criteria provided, single submitter. Criteria: Athena Diagnostics Criteria. Collection method: clinical testing. Allele origin: germline.

Illumina Laboratory Services, Illumina
Classification: Benign for Epiphyseal dysplasia, multiple, 2. Last evaluated: 2018-01-13. Review status: criteria provided, single submitter. Criteria: ICSL Variant Classification Criteria 13 December 2019. Collection method: clinical testing. Allele origin: germline.
Comment: This variant was observed in the ICSL laboratory as part of a predisposition screen in an ostensibly healthy population. It had not been previously curated by ICSL or reported in the Human Gene Mutation Database (HGMD: prior to June 1st, 2018), and was therefore a candidate for classification through an automated scoring system. Utilizing variant allele frequency, disease prevalence and penetrance estimates, and inheritance mode, an automated score was calculated to assess if this variant is too frequent to cause the disease. Based on the score and internal cut-off values, a variant classified as benign is not then subjected to further curation. The score for this variant resulted in a classification of benign for this disease.

GeneDx
Classification: Benign. Last evaluated: 2016-10-11. Review status: criteria provided, single submitter. Criteria: GeneDx Variant Classification (06012015). Collection method: clinical testing. Allele origin: germline. Affected: yes.
Comment: This variant is considered likely benign or benign based on one or more of the following criteria: it is a conservative change, it occurs at a poorly conserved position in the protein, it is predicted to be benign by multiple in silico algorithms, and/or has population frequency not consistent with disease.

Breakthrough Genomics
Classification: Benign. Review status: criteria provided, single submitter. Criteria: ACMG Guidelines, 2015. Collection method: not provided. Allele origin: germline. Inheritance: Autosomal recessive inheritance. Affected: yes.

PreventionGenetics, part of Exact Sciences
Classification: Benign. Review status: criteria provided, single submitter. Criteria: ACMG Guidelines, 2015. Collection method: clinical testing. Allele origin: germline.

Clinical Genetics DNA and cytogenetics Diagnostics Lab, Erasmus MC, Erasmus Medical Center
Classification: Benign. Review status: no assertion criteria provided. Collection method: clinical testing. Allele origin: germline. Affected: yes. Study: VKGL Data-share Consensus. Not counted in ClinVar's aggregate classification.

Genome Diagnostics Laboratory, Amsterdam University Medical Center
Classification: Benign. Review status: no assertion criteria provided. Collection method: clinical testing. Allele origin: germline. Affected: yes. Study: VKGL Data-share Consensus. Not counted in ClinVar's aggregate classification.

Laboratory of Diagnostic Genome Analysis, Leiden University Medical Center (LUMC)
Classification: Likely benign. Review status: no assertion criteria provided. Collection method: clinical testing. Allele origin: germline. Affected: yes. Study: VKGL Data-share Consensus. Not counted in ClinVar's aggregate classification.

Literature cited by the submitters: PubMed 11565064 (cited by Athena Diagnostics).

NM_001852.4(COL9A2):c.737C>T (p.Thr246Met)

Gene: COL9A2 (collagen type IX alpha 2 chain; minus strand). Cytogenetic location: 1p34.2.
Variant type: single nucleotide variant.
Coding change: c.737C>T on transcript NM_001852.4 (MANE Select); coding-DNA position 737, C replaced by T.
Protein change: p.Thr246Met; replaces threonine 246 with methionine.
Molecular consequence: missense variant.
Genome position (GRCh38, 1-based): chr1:40,310,265, G>A on the plus strand (C>T on the coding strand, the complement: COL9A2 is on the minus strand). VCF-style: chr1-40310265-G-A. GRCh37 (hg19) VCF-style: chr1-40775937-G-A.
Other names: short protein forms T246M.
Identifiers: ClinVar variation 258393 (VCV000258393.25), dbSNP rs2228565, ClinGen allele CA791789.